The following is an entry in ClinVar:

NM_000187.4(HGD):c.1084G>A (p.Gly362Arg)

Gene: HGD (homogentisate 1,2-dioxygenase; minus strand). Cytogenetic location: 3q13.33.
Variant type: single nucleotide variant.
Coding change: c.1084G>A on transcript NM_000187.4 (MANE Select); coding-DNA position 1084, G replaced by A.
Protein change: p.Gly362Arg; replaces glycine 362 with arginine.
Molecular consequence: missense variant.
Genome position (GRCh38, 1-based): chr3:120,633,251, C>T on the plus strand (G>A on the coding strand, the complement: HGD is on the minus strand). VCF-style: chr3-120633251-C-T. GRCh37 (hg19) VCF-style: chr3-120352098-C-T.
Other names: short protein forms G362R.
Identifiers: ClinVar variation 1264349 (VCV001264349.2), dbSNP rs2107489383, ClinGen allele CA354072876.

ClinVar aggregate classification (germline): Likely pathogenic. Review status: criteria provided, single submitter (1 of 4 stars). 2 submissions from 2 submitters: Likely pathogenic (1). 1 of the submissions does not count toward it. Last evaluated 2024-01-30.

Conditions:
Alkaptonuria (AKU). Also called: HOMOGENTISIC ACID OXIDASE DEFICIENCY; Alcaptonuria; Homogentisic acidura; Alkaptonuric ochronosis. Identifiers: Orphanet 56, MedGen C0002066, MONDO:0008753, OMIM 203500.

gnomAD v4.1: 1 of 1,614,020 alleles (0.000062%); no homozygotes.

Submissions (2):

3billion
Classification: Likely pathogenic for Alkaptonuria. Last evaluated: 2024-01-30. Review status: criteria provided, single submitter. Criteria: ACMG Guidelines, 2015. Collection method: clinical testing. Allele origin: germline. Affected: yes.
Comment: The variant is not observed in the gnomAD v2.1.1 dataset. Predicted Consequence/Location: Missense variant In silico tool predictions suggest damaging effect of the variant on gene or gene product [REVEL: 0.83 (>=0.6, sensitivity 0.68 and specificity 0.92); 3Cnet: 0.78 (>=0.6, sensitivity 0.72 and precision 0.9)]. Same nucleotide change resulting in same amino acid change has been previously reported to be associated with HGD related disorder (ClinVar ID: VCV001264349 /PMID: 34686677). A different missense change at the same codon (p.Gly362Glu) has been reported to be associated with HGD related disorder (ClinVar ID: VCV002627700 /PMID: 12501223). Therefore, this variant is classified as Likely pathogenic according to the recommendation of ACMG/AMP guideline.

Biochemical Genetics Laboratory, National Taiwan University
Classification: Likely pathogenic for Alkaptonuria. Review status: no assertion criteria provided. Collection method: research. Allele origin: unknown. Affected: yes. Not counted in ClinVar's aggregate classification.

Literature cited by the submitters: PubMed 34686677 (cited by 3billion and Biochemical Genetics Laboratory, National Taiwan University); PubMed 12501223 (cited by 3billion).